The following is an entry in ClinVar:

NM_172351.3(CD46):c.646T>A (p.Trp216Arg)

Gene: CD46 (CD46 molecule; plus strand). Cytogenetic location: 1q32.2.
Variant type: single nucleotide variant.
Coding change: c.646T>A on transcript NM_172351.3 (MANE Select); coding-DNA position 646, T replaced by A.
Protein change: p.Trp216Arg; replaces tryptophan 216 with arginine.
Molecular consequence: missense variant.
Genome position (GRCh38, 1-based): chr1:207,761,419, T>A. VCF-style: chr1-207761419-T-A. GRCh37 (hg19) VCF-style: chr1-207934764-T-A.
Other names: c.646T>A, p.Trp216Arg (NM_002389.4, NM_153826.4, NM_172350.3 and 8 more transcripts); short protein forms W216R.
Identifiers: ClinVar variation 3719891 (VCV003719891.2).

ClinVar aggregate classification (germline): Uncertain significance (1 of 4 stars; one submission).

Submission:

Labcorp Genetics (formerly Invitae), Labcorp
Classification: Uncertain significance. Last evaluated: 2024-09-26. Review status: criteria provided, single submitter. Criteria: Invitae Variant Classification Sherloc (09022015). Collection method: clinical testing. Allele origin: germline.
Comment: This sequence change replaces tryptophan, which is neutral and slightly polar, with arginine, which is basic and polar, at codon 216 of the CD46 protein (p.Trp216Arg). This variant is not present in population databases (gnomAD no frequency). This variant has not been reported in the literature in individuals affected with CD46-related conditions. Invitae Evidence Modeling of protein sequence and biophysical properties (such as structural, functional, and spatial information, amino acid conservation, physicochemical variation, residue mobility, and thermodynamic stability) indicates that this missense variant is expected to disrupt CD46 protein function with a positive predictive value of 80%. In summary, the available evidence is currently insufficient to determine the role of this variant in disease. Therefore, it has been classified as a Variant of Uncertain Significance.